The following is an entry in ClinVar:

NM_000138.5(FBN1):c.4786C>T (p.Arg1596Ter)

Gene: FBN1 (fibrillin 1; minus strand). Cytogenetic location: 15q21.1.
Variant type: single nucleotide variant.
Coding change: c.4786C>T on transcript NM_000138.5 (MANE Select); coding-DNA position 4786, C replaced by T.
Protein change: p.Arg1596Ter; replaces arginine 1596 with a stop codon.
Molecular consequence: nonsense.
Genome position (GRCh38, 1-based): chr15:48,465,820, G>A on the plus strand (C>T on the coding strand, the complement: FBN1 is on the minus strand). VCF-style: chr15-48465820-G-A. GRCh37 (hg19) VCF-style: chr15-48758017-G-A.
Other names: p.R1596X:CGA>TGA; dbSNP:rs113871094; p.Arg1596*; short protein forms R1596*.
Identifiers: ClinVar variation 36082 (VCV000036082.46), dbSNP rs113871094, ClinGen allele CA015431.

ClinVar aggregate classification (germline): Pathogenic. Review status: criteria provided, multiple submitters, no conflicts (2 of 4 stars). 17 submissions from 17 submitters: Pathogenic (14). 3 of the submissions do not count toward it. Last evaluated 2026-06-01.

Conditions:
Geleophysic dysplasia 2 (GPHYSD2). Identifiers: Orphanet 2623, MedGen C3280054, MONDO:0013612, OMIM 614185.
Ectopia lentis 1, isolated, autosomal dominant (ECTOL1). Identifiers: Orphanet 1885, MedGen C3541518, MONDO:0007514, OMIM 129600.
Acromicric dysplasia (ACMICD). Also called: Acromicric skeletal dysplasia. Identifiers: Orphanet 969, MedGen C0265287, MONDO:0007055, OMIM 102370.
Weill-Marchesani syndrome 2, dominant. Also called: FBN1-Related Weill-Marchesani Syndrome; Weill-Marchesani Syndrome, Autosomal Dominant. Identifiers: Orphanet 2084, MedGen C1869115, MONDO:0012013, OMIM 608328.
MASS syndrome (OCTD). Also called: MASS PHENOTYPE; OVERLAP CONNECTIVE TISSUE DISEASE. Identifiers: MedGen C1858556, MONDO:0011431, OMIM 604308.
Progeroid and marfanoid aspect-lipodystrophy syndrome. Also called: MARFANOID-PROGEROID-LIPODYSTROPHY SYNDROME; MARFANOID-PROGEROID SYNDROME; MARFAN-PROGEROID-LIPODYSTROPHY SYNDROME; Marfan lipodystrophy syndrome. Identifiers: Orphanet 300382, MedGen C4310796, MONDO:0014831, OMIM 616914.
Stiff skin syndrome (SSKS). Identifiers: Orphanet 2833, MedGen C1861456, MONDO:0008492, OMIM 184900.
Marfan syndrome (MFS). Also called: MARFAN SYNDROME, TYPE I; Marfan syndrome type 1; Marfan's syndrome; Marfan syndrome, classic; FBN1-Related Marfan Syndrome. Identifiers: Orphanet 284963, Orphanet 558, MedGen C0024796, MONDO:0007947, OMIM 154700.
Marfan Syndrome/Loeys-Dietz Syndrome/Familial Thoracic Aortic Aneurysms and Dissections. Identifiers: MedGen CN229799.
Familial thoracic aortic aneurysm and aortic dissection (TAAD). Also called: Thoracic aortic aneurysms and dissections. Identifiers: Orphanet 91387, MedGen C4707243, MONDO:0019625.
FBN1-related disorder. Also called: FBN1-related disorders.

Submissions (17):

CeGaT Center for Human Genetics Tuebingen
Classification: Pathogenic. Last evaluated: 2026-06-01. Review status: criteria provided, single submitter. Criteria: CeGaT Center For Human Genetics Tuebingen Variant Classification Criteria Version 2. Collection method: clinical testing. Allele origin: germline. Affected: yes. Observed: 1 variant allele.
Comment: FBN1: PVS1, PM2, PS4:Moderate

Labcorp Genetics (formerly Invitae), Labcorp
Classification: Pathogenic for Marfan syndrome; Familial thoracic aortic aneurysm and aortic dissection. Last evaluated: 2025-08-29. Review status: criteria provided, single submitter. Criteria: Invitae Variant Classification Sherloc (09022015). Collection method: clinical testing. Allele origin: germline.
Comment: This sequence change creates a premature translational stop signal (p.Arg1596*) in the FBN1 gene. It is expected to result in an absent or disrupted protein product. Loss-of-function variants in FBN1 are known to be pathogenic (PMID: 17657824, 19293843). This variant is not present in population databases (gnomAD no frequency). This premature translational stop signal has been observed in individual(s) with Marfan syndrome (PMID: 11700157, 12938084, 17718856, 19618372, 21907952, 28050602). It has also been observed to segregate with disease in related individuals. ClinVar contains an entry for this variant (Variation ID: 36082). For these reasons, this variant has been classified as Pathogenic.

Women's Health and Genetics/Laboratory Corporation of America, LabCorp
Classification: Pathogenic for Marfan Syndrome/Loeys-Dietz Syndrome/Familial Thoracic Aortic Aneurysms and Dissections. Last evaluated: 2024-10-07. Review status: criteria provided, single submitter. Criteria: LabCorp Variant Classification Summary - May 2015. Collection method: clinical testing. Allele origin: germline.
Comment: Variant summary: FBN1 c.4786C>T (p.Arg1596X) results in a premature termination codon, predicted to cause a truncation of the encoded protein or absence of the protein due to nonsense mediated decay, which are commonly known mechanisms for disease. The variant was absent in 251144 control chromosomes. c.4786C>T has been reported in the literature in multiple individuals affected with Marfan Syndrome and has been shown to segregate with disease within families (e.g., Loeys_2001, Loeys_2004, Spits_2006, Magyar_2009, DeBacker_2007). These data indicate that the variant is very likely to be associated with disease. The following publications have been ascertained in the context of this evaluation (PMID: 11700157, 15241795, 16756980, 17718856, 19618372). ClinVar contains an entry for this variant (Variation ID: 36082). Based on the evidence outlined above, the variant was classified as pathogenic.

Mayo Clinic Laboratories, Mayo Clinic
Classification: Pathogenic. Last evaluated: 2024-05-20. Review status: criteria provided, single submitter. Criteria: ACMG Guidelines, 2015. Collection method: clinical testing. Allele origin: germline. Observed: 1 variant allele.
Comment: PP1_strong, PP2, PM2, PS2_moderate, PS4_moderate, PVS1

GeneDx
Classification: Pathogenic. Last evaluated: 2023-05-30. Review status: criteria provided, single submitter. Criteria: GeneDx Variant Classification Process June 2021. Collection method: clinical testing. Allele origin: germline. Affected: yes.
Comment: Nonsense variant predicted to result in protein truncation or nonsense mediated decay in a gene for which loss-of-function is a known mechanism of disease; Not observed at significant frequency in large population cohorts (gnomAD); Identified in multiple unrelated individuals with a reported diagnosis of Marfan syndrome, or clinical manifestations of Marfan syndrome, referred for testing at GeneDx and in the published literature (Loeys et al., 2001; Maygar et al., 2009; Stheneur et al., 2009; Ogawa et al., 2011; Han et al., 2017; Zastrow et al., 2017 ); This variant is associated with the following publications: (PMID: 25525159, 21907952, 12938084, 19293843, 19618372, 28901506, 11700157, 17718856, 16756980, 15241795, 11933199, 35058154, 33282382, 31167969, 33461977, 36588568, 29768367, 28050602)

Ambry Genetics
Classification: Pathogenic for Familial thoracic aortic aneurysm and aortic dissection. Last evaluated: 2022-12-23. Review status: criteria provided, single submitter. Criteria: Ambry Variant Classification Scheme 2023. Collection method: clinical testing. Allele origin: germline.
Comment: The p.R1596* pathogenic mutation (also known as c.4786C>T), located in coding exon 38 of the FBN1 gene, results from a C to T substitution at nucleotide position 4786. This changes the amino acid from an arginine to a stop codon within coding exon 38. This variant has been detected in multiple individuals reported to have Marfan syndrome (MFS) or features consistent with MFS, and individuals from MFS cohorts (Loeys B et al. Arch Intern Med, 2001 Nov;161:2447-54; Spits C et al. Fertil Steril, 2006 Aug;86:310-20; De Backer J et al. Clin Genet, 2007 Sep;72:188-98; Magyar I et al. Hum Mutat, 2009 Sep;30:1355-64; Stheneur C et al. Eur J Hum Genet, 2009 Sep;17:1121-8Ogawa N et al. Am J Cardiol, 2011 Dec;108:1801-7; Han Q et al. Mol Med Rep, 2017 Nov;16:6620-6625; Hansen J et al. JCI Insight, 2019 Jun 4; Erhart P et al. J Thorac Dis, 2020 Nov;12:6806-6812). This variant is considered to be rare based on population cohorts in the Genome Aggregation Database (gnomAD). In addition to the clinical data presented in the literature, this alteration is expected to result in loss of function by premature protein truncation or nonsense-mediated mRNA decay. As such, this alteration is interpreted as a disease-causing mutation.

Blueprint Genetics
Classification: Pathogenic for FBN1-related disorders. Last evaluated: 2022-10-24. Review status: criteria provided, single submitter. Criteria: ACMG Guidelines, 2015. Collection method: clinical testing. Allele origin: germline. Affected: yes. Observed: 4 variant alleles.

Centre of Medical Genetics, University of Antwerp
Classification: Pathogenic for Marfan syndrome. Last evaluated: 2021-03-01. Review status: criteria provided, single submitter. Criteria: Submitter's publication. Collection method: research. Allele origin: unknown. Affected: yes. Observed: 4 variant alleles.
Comment: PM2, PVS1, PP4

Institute of Medical Genetics and Applied Genomics, University Hospital Tübingen
Classification: Pathogenic. Last evaluated: 2020-10-23. Review status: criteria provided, single submitter. Criteria: ACMG Guidelines, 2015. Collection method: clinical testing. Allele origin: germline. Inheritance: Unknown mechanism. Affected: yes.

Molecular Diagnostic Laboratory for Inherited Cardiovascular Disease, Montreal Heart Institute
Classification: Pathogenic. Last evaluated: 2020-01-13. Review status: criteria provided, single submitter. Criteria: ACMG Guidelines, 2015. Collection method: clinical testing. Allele origin: germline. Affected: yes.

CHEO Genetics Diagnostic Laboratory, Children's Hospital of Eastern Ontario
Classification: Pathogenic for Familial thoracic aortic aneurysm and aortic dissection. Last evaluated: 2019-02-22. Review status: criteria provided, single submitter. Criteria: ACMG Guidelines, 2015. Collection method: clinical testing. Allele origin: germline.

Fulgent Genetics
Classification: Pathogenic for Acromicric dysplasia; Ectopia lentis 1, isolated, autosomal dominant; Marfan syndrome; Stiff skin syndrome; MASS syndrome; Weill-Marchesani syndrome 2, dominant; Geleophysic dysplasia 2; Progeroid and marfanoid aspect-lipodystrophy syndrome. Last evaluated: 2017-05-18. Review status: criteria provided, single submitter. Criteria: ACMG Guidelines, 2015. Collection method: clinical testing. Allele origin: unknown.

Baylor Genetics
Classification: Pathogenic for Marfan syndrome. Last evaluated: 2016-01-16. Review status: criteria provided, single submitter. Criteria: ACMG Guidelines, 2015. Collection method: clinical testing. Allele origin: de novo. Inheritance: Autosomal dominant inheritance. Affected: yes. Observed: 1 variant allele, 1 heterozygote. Study: Undiagnosed Diseases Network.

Laboratory for Molecular Medicine, Mass General Brigham Personalized Medicine
Classification: Pathogenic for Marfan syndrome. Last evaluated: 2012-05-02. Review status: criteria provided, single submitter. Criteria: LMM Criteria. Collection method: clinical testing. Allele origin: germline. Observed: 2 variant alleles.
Comment: The Arg1596X variant has been reported in 4 individuals with clinical features o f Marfan syndrome and was shown to segregate with clinical feature in one report ed family (Loeys 2001, De Backer 2007, Magyar 2009,). This nonsense variant leads to a premature termination codon at position 1596, which is predicted to lead to a truncated or absent protein. H eterozygous loss of function of the FBN1 gene is an established disease mechanis m in Marfan syndrome. In summary, this variant meets our criteria to be classifi ed as pathogenic.

Center for Medical Genetics Ghent, University of Ghent
Classification: Pathogenic for Marfan syndrome. Last evaluated: 2017-11-07. Review status: no assertion criteria provided. Collection method: clinical testing. Allele origin: germline. Affected: yes. Not counted in ClinVar's aggregate classification.

Genome Diagnostics Laboratory, Amsterdam University Medical Center
Classification: Pathogenic. Review status: no assertion criteria provided. Collection method: clinical testing. Allele origin: germline. Affected: yes. Study: VKGL Data-share Consensus. Not counted in ClinVar's aggregate classification.

Genome Diagnostics Laboratory, University Medical Center Utrecht
Classification: Pathogenic. Review status: no assertion criteria provided. Collection method: clinical testing. Allele origin: germline. Affected: yes. Study: VKGL Data-share Consensus. Not counted in ClinVar's aggregate classification.

Literature cited by the submitters: PubMed 17657824 (cited by Labcorp Genetics (formerly Invitae), Labcorp); PubMed 19293843 (cited by Labcorp Genetics (formerly Invitae), Labcorp and Ambry Genetics); PubMed 11700157 (cited by 6 submitters); PubMed 12938084 (cited by Labcorp Genetics (formerly Invitae), Labcorp); PubMed 17718856 (cited by 5 submitters); PubMed 19618372 (cited by 5 submitters); PubMed 21907952 (cited by Labcorp Genetics (formerly Invitae), Labcorp and Ambry Genetics); PubMed 28050602 (cited by 3 submitters); PubMed 15241795 (cited by Women's Health and Genetics/Laboratory Corporation of America, LabCorp); PubMed 16756980 (cited by 3 submitters); PubMed 28901506 (cited by Mayo Clinic Laboratories, Mayo Clinic and Ambry Genetics); PubMed 35058154 (cited by Mayo Clinic Laboratories, Mayo Clinic); PubMed 38190127 (cited by Mayo Clinic Laboratories, Mayo Clinic); PubMed 29768367 (cited by Ambry Genetics); PubMed 31167969 (cited by Ambry Genetics); PubMed 33282382 (cited by Ambry Genetics).